The following is an entry in ClinVar:

NM_005548.3(KARS1):c.673A>G (p.Thr225Ala)

Gene: KARS1 (lysyl-tRNA synthetase 1; minus strand). Cytogenetic location: 16q23.1.
Variant type: single nucleotide variant.
Coding change: c.673A>G on transcript NM_005548.3 (MANE Select); coding-DNA position 673, A replaced by G.
Protein change: p.Thr225Ala; replaces threonine 225 with alanine.
Molecular consequence: missense variant.
Genome position (GRCh38, 1-based): chr16:75,635,802, T>C on the plus strand (A>G on the coding strand, the complement: KARS1 is on the minus strand). VCF-style: chr16-75635802-T-C. GRCh37 (hg19) VCF-style: chr16-75669700-T-C.
Other names: c.757A>G, p.Thr253Ala (NM_001130089.2); c.205A>G, p.Thr69Ala (NM_001378148.1); short protein forms T225A, T253A, T69A.
Identifiers: ClinVar variation 3900894 (VCV003900894.1).

ClinVar aggregate classification (germline): Uncertain significance (1 of 4 stars; one submission).

gnomAD v4.1: 9 of 1,614,108 alleles (0.00056%); highest among the groups gnomAD compares: Non-Finnish European, 0.00068%; no homozygotes.

Submission:

GeneDx
Classification: Uncertain significance. Last evaluated: 2024-12-02. Review status: criteria provided, single submitter. Criteria: GeneDx Variant Classification Process June 2021. Collection method: clinical testing. Allele origin: germline. Affected: yes.
Comment: Not observed at significant frequency in large population cohorts (gnomAD); In silico analysis supports a deleterious effect on splicing; In silico analysis supports that this missense variant has a deleterious effect on protein structure/function; Has not been previously published as pathogenic or benign to our knowledge